The following is an entry in ClinVar:

ClinVar aggregate classification (germline): not provided (0 of 4 stars; one submission).

Allele frequency attached by ClinVar (database versions not stated): TOPMed 0.01329; 1000 Genomes Project 0.01338; gnomAD exomes 0.00059.

Submission:

ZMPSTE24 homepage - Leiden Muscular Dystrophy pages
No classification provided. Review status: no classification provided. Collection method: not provided. Allele origin: germline.
Comment: no known functional consequence

NM_005857.3(ZMPSTE24):c.-522C>G

Gene: ZMPSTE24 (zinc metallopeptidase STE24; plus strand). Cytogenetic location: 1p34.2.
Variant type: single nucleotide variant.
Coding change: c.-522C>G on transcript NM_005857.3; 522 bases upstream of the start codon, C replaced by G.
Genome position (GRCh38, 1-based): chr1:40,257,750, C>G. VCF-style: chr1-40257750-C-G. GRCh37 (hg19) VCF-style: chr1-40723422-C-G.
Identifiers: ClinVar variation 140507 (VCV000140507.3), dbSNP rs11811211, ClinGen allele CA232714.
Genomic context (GRCh38, chr1:40,257,750, plus strand): 5'-TTCAGTCCTTCCTAGCCTCCTCAGGCGGGAGCCGCGGCCCACTCAGTCAGTTGCGGCCCA[C>G]TCAGTCAGTTCCGGCCCCAGCCCCGACTACCTGTCGCCTTGTTGGGGGAAGGAAGGCAGA-3'